The following is an entry in ClinVar:

NM_001903.5(CTNNA1):c.1344G>A (p.Lys448=)

Gene: CTNNA1 (catenin alpha 1; plus strand). Cytogenetic location: 5q31.2.
Variant type: single nucleotide variant.
Coding change: c.1344G>A on transcript NM_001903.5 (MANE Select); coding-DNA position 1344, G replaced by A.
Protein change: p.Lys448=; no amino-acid change (lysine 448 retained).
Molecular consequence: synonymous variant. On other transcripts: 5 prime UTR variant (6), intron variant (3).
Genome position (GRCh38, 1-based): chr5:138,904,396, G>A. VCF-style: chr5-138904396-G-A. GRCh37 (hg19) VCF-style: chr5-138240085-G-A.
Other names: c.1344G>A, p.Lys448= (NM_001290307.3, NM_001323982.2, NM_001323983.1 and 2 more transcripts); c.1035G>A, p.Lys345= (NM_001290309.3); c.975G>A, p.Lys325= (NM_001290310.3); c.234G>A, p.Lys78= (NM_001290312.1, NM_001323987.1, NM_001323988.1 and 17 more transcripts); c.-164G>A (NM_001324006.1, NM_001324007.1, NM_001324008.1 and 1 more transcripts); c.-10G>A (NM_001324012.1, NM_001324013.1); c.1297-13346G>A (NM_001323986.2); c.187-13346G>A (NM_001324011.1); and 1 more.
Identifiers: ClinVar variation 1554457 (VCV001554457.9), dbSNP rs921350297, ClinGen allele CA128250554.

ClinVar aggregate classification (germline): Benign/Likely benign. Review status: criteria provided, multiple submitters, no conflicts (2 of 4 stars). 2 submissions from 2 submitters: Benign (1); Likely benign (1). Last evaluated 2024-10-11.

Conditions:
Hereditary diffuse gastric adenocarcinoma (HDGC). Also called: DIFFUSE GASTRIC AND LOBULAR BREAST CANCER SYNDROME. Identifiers: Orphanet 26106, MedGen C1708349, MONDO:0007648, OMIM 137215.

Submissions (2):

Myriad Genetics, Inc.
Classification: Benign for Hereditary diffuse gastric adenocarcinoma. Last evaluated: 2024-10-11. Review status: criteria provided, single submitter. Criteria: Myriad Autosomal Dominant, Autosomal Recessive and X-Linked Classification Criteria (2023). Collection method: clinical testing. Allele origin: unknown.
Comment: This variant is considered benign. This variant is a silent/synonymous amino acid change and it is not expected to impact splicing.

Labcorp Genetics (formerly Invitae), Labcorp
Classification: Likely benign. Last evaluated: 2021-04-26. Review status: criteria provided, single submitter. Criteria: Invitae Variant Classification Sherloc (09022015). Collection method: clinical testing. Allele origin: germline.